The following is an entry in ClinVar:

ClinVar aggregate classification (germline): Uncertain significance. Review status: criteria provided, single submitter (1 of 4 stars). 2 submissions from 2 submitters: Uncertain significance (1). 1 of the submissions does not count toward it. Last evaluated 2024-02-14.

Conditions:
DCC-related disorder. Also called: DCC-related condition.

Submissions (2):

GeneDx
Classification: Uncertain significance. Last evaluated: 2024-02-14. Review status: criteria provided, single submitter. Criteria: GeneDx Variant Classification Process June 2021. Collection method: clinical testing. Allele origin: germline. Affected: yes.
Comment: Identified as heterozygous in four family members affected with congenital mirror movements and one asymptomatic carrier (PMID: 29366874); Frameshift variant predicted to result in abnormal protein length as the last 42 amino acids are replaced with 21 different amino acids; Not observed at significant frequency in large population cohorts (gnomAD); This variant is associated with the following publications: (PMID: 29366874, 31697046)

PreventionGenetics, part of Exact Sciences
Classification: Uncertain significance for DCC-related condition. Last evaluated: 2023-11-24. Review status: no assertion criteria provided. Collection method: clinical testing. Allele origin: germline. Not counted in ClinVar's aggregate classification.
Comment: The DCC c.4211_4215dup5 variant is predicted to result in a frameshift and premature protein termination (p.Ser1406Lysfs*22). This variant was reported to segregate with the disease in four of five individuals from a family with congenital mirror movements (Bierhals T et al. 2018. PubMed ID: 29366874). This truncating variant occurs in the 3' end of penultimate exon and is predicted to escape from nonsense-mediated mRNA decay. This variant has not been reported in a large population database, indicating this variant is rare. Although we suspect that this variant may be pathogenic, at this time, the clinical significance of this variant is uncertain due to the absence of conclusive functional and genetic evidence.

NM_005215.4(DCC):c.4211_4215dup (p.Ser1406fs)

Gene: DCC (DCC netrin 1 receptor; plus strand). Cytogenetic location: 18q21.2.
Variant type: Duplication.
Coding change: c.4211_4215dup on transcript NM_005215.4 (MANE Select); coding-DNA positions 4211 to 4215, 5 bases duplicated (AAGTG; older notation c.4211_4215dupAAGTG).
Protein change: p.Ser1406fs; shifts the reading frame from serine 1406.
Molecular consequence: frameshift variant.
Genome position (GRCh38, 1-based): chr18:53,526,716-53,526,720, AAGTG duplicated; duplicating any 5 consecutive bases within chr18:53,526,714-53,526,720 gives the same sequence; the c. name uses the placement nearest the transcript's 3' end. VCF-style (leftmost placement, unchanged base first): chr18-53526713-C-CTGAAG. GRCh37 (hg19) VCF-style: chr18-51053083-C-CTGAAG.
Other names: c.4211_4215dup5 (NM_005215.3); c.4211_4215dup (NM_005215.3); short protein forms S1406fs.
Identifiers: ClinVar variation 3028994 (VCV003028994.2), dbSNP rs2511519166, ClinGen allele CA2576507258.
Genomic context (GRCh38, chr18:53,526,713, plus strand): 5'-CCCTTGGGTTGGCTGGAAAAGCAAGATCCCCTTTGCTTCCTGTGTCTGTGCCAACAGCCC[C>CTGAAG]TGAAGTGTCTGAGGAGAGCCACAAACCAACAGAGGATTCAGCCAATGTAAGGGCATCTTT-3'